The following is an entry in ClinVar:

ClinVar aggregate classification (germline): Likely pathogenic (1 of 4 stars; one submission).

gnomAD v4.1: 2 of 1,613,434 alleles (0.00012%); highest among the groups gnomAD compares: Non-Finnish European, 0.000085%; no homozygotes.

Submission:

Labcorp Genetics (formerly Invitae), Labcorp
Classification: Likely pathogenic. Last evaluated: 2023-03-20. Review status: criteria provided, single submitter. Criteria: Invitae Variant Classification Sherloc (09022015). Collection method: clinical testing. Allele origin: germline.
Comment: This sequence change affects a donor splice site in intron 3 of the RNF168 gene. It is expected to disrupt RNA splicing. Variants that disrupt the donor or acceptor splice site typically lead to a loss of protein function (PMID: 16199547), and loss-of-function variants in RNF168 are known to be pathogenic (PMID: 19203578, 21394101). This variant is present in population databases (no rsID available, gnomAD 0.0009%). This variant has not been reported in the literature in individuals affected with RNF168-related conditions. Algorithms developed to predict the effect of sequence changes on RNA splicing suggest that this variant may disrupt the consensus splice site. In summary, the currently available evidence indicates that the variant is pathogenic, but additional data are needed to prove that conclusively. Therefore, this variant has been classified as Likely Pathogenic.

Literature cited by the submitters: PubMed 16199547; PubMed 19203578; PubMed 21394101.

NM_152617.4(RNF168):c.558+1G>T

Gene: RNF168 (ring finger protein 168; minus strand). Cytogenetic location: 3q29.
Variant type: single nucleotide variant.
Coding change: c.558+1G>T on transcript NM_152617.4 (MANE Select); the canonical splice donor site of the intron after coding-DNA position 558, G replaced by T.
Molecular consequence: splice donor variant.
Genome position (GRCh38, 1-based): chr3:196,487,398, C>A on the plus strand (G>T on the coding strand, the complement: RNF168 is on the minus strand). VCF-style: chr3-196487398-C-A. GRCh37 (hg19) VCF-style: chr3-196214269-C-A.
Identifiers: ClinVar variation 2847827 (VCV002847827.3), dbSNP rs371768338, ClinGen allele CA355624903.
Genomic context (GRCh38, chr3:196,487,398, plus strand): 5'-GGTTCTGCAGCAGCGCATACCAAGGGATGACCATACCTTAGCGTTCCCTCCTAAAACTTA[C>A]AATATCAATGCTTAGCTTTCTTGCCAGTTCCTCATCACTTTTCAGTTGTTCTTCCATCGC-3'